The following is an entry in ClinVar:

ClinVar aggregate classification (germline): Benign. Review status: criteria provided, multiple submitters, no conflicts (2 of 4 stars). 2 submissions from 2 submitters: Benign (2). Last evaluated 2018-01-13.

Conditions:
Mucopolysaccharidosis, MPS-III-D (MPS3D). Also called: MPS IIID (Sanfilippo Syndrome Type D); MPS III D; Mucopoly-saccharidosis type 3D; N-acetylglucosamine-6-sulfate sulfatase deficiency; MPS 3D; N-ACETYLGLUCOSAMINE-6-SULFATASE DEFICIENCY. Identifiers: Orphanet 581, Orphanet 79272, MedGen C0086650, MONDO:0009658, OMIM 252940.

Allele frequency attached by ClinVar (database versions not stated): gnomAD 0.01725 and 0.01600; TOPMed 0.01833; 1000 Genomes Project 0.01597; 1000 Genomes Project 30x 0.01780.

Submissions (2):

Illumina Laboratory Services, Illumina
Classification: Benign for Mucopolysaccharidosis, MPS-III-D. Last evaluated: 2018-01-13. Review status: criteria provided, single submitter. Criteria: ICSL Variant Classification Criteria 13 December 2019. Collection method: clinical testing. Allele origin: germline.
Comment: This variant was observed in the ICSL laboratory as part of a predisposition screen in an ostensibly healthy population. It had not been previously curated by ICSL or reported in the Human Gene Mutation Database (HGMD: prior to June 1st, 2018), and was therefore a candidate for classification through an automated scoring system. Utilizing variant allele frequency, disease prevalence and penetrance estimates, and inheritance mode, an automated score was calculated to assess if this variant is too frequent to cause the disease. Based on the score and internal cut-off values, a variant classified as benign is not then subjected to further curation. The score for this variant resulted in a classification of benign for this disease.

Breakthrough Genomics
Classification: Benign. Review status: criteria provided, single submitter. Criteria: ACMG Guidelines, 2015. Collection method: not provided. Allele origin: germline. Inheritance: Autosomal recessive inheritance. Affected: yes.

NM_002076.4(GNS):c.*1456C>T

Gene: GNS (glucosamine (N-acetyl)-6-sulfatase; minus strand). Cytogenetic location: 12q14.3.
Variant type: single nucleotide variant.
Coding change: c.*1456C>T on transcript NM_002076.4 (MANE Select); 1456 bases downstream of the stop codon, C replaced by T.
Molecular consequence: 3 prime UTR variant.
Genome position (GRCh38, 1-based): chr12:64,715,285, G>A on the plus strand (C>T on the coding strand, the complement: GNS is on the minus strand). VCF-style: chr12-64715285-G-A. GRCh37 (hg19) VCF-style: chr12-65109065-G-A.
Identifiers: ClinVar variation 310183 (VCV000310183.6), dbSNP rs144199387, ClinGen allele CA10643169.